The following is an entry in ClinVar:

NM_001376.5(DYNC1H1):c.7534G>T (p.Ala2512Ser)

Gene: DYNC1H1 (dynein cytoplasmic 1 heavy chain 1; plus strand). Cytogenetic location: 14q32.31.
Variant type: single nucleotide variant.
Coding change: c.7534G>T on transcript NM_001376.5 (MANE Select); coding-DNA position 7534, G replaced by T.
Protein change: p.Ala2512Ser; replaces alanine 2512 with serine.
Molecular consequence: missense variant.
Genome position (GRCh38, 1-based): chr14:102,016,409, G>T. VCF-style: chr14-102016409-G-T. GRCh37 (hg19) VCF-style: chr14-102482746-G-T.
Other names: short protein forms A2512S.
Identifiers: ClinVar variation 3361846 (VCV003361846.2).

ClinVar aggregate classification (germline): Uncertain significance (1 of 4 stars; one submission).

Submission:

GeneDx
Classification: Uncertain significance. Last evaluated: 2026-08-13. Review status: criteria provided, single submitter. Criteria: GeneDx Variant Classification Process June 2021. Collection method: clinical testing. Allele origin: germline.
Comment: Not observed at significant frequency in large population cohorts (gnomAD); In silico analysis suggests that this missense variant does not alter protein structure/function; Has not been previously published as pathogenic or benign to our knowledge; This variant is associated with the following publications: (PMID: 25512093, 25609763, 26100331)